The following is an entry in ClinVar:

ClinVar aggregate classification (germline): Likely benign (0 of 4 stars; one submission).

Conditions:
GDF9-related disorder. Also called: GDF9-related condition.

Allele frequency attached by ClinVar (database versions not stated): TOPMed 0.00011; gnomAD 0.00020; gnomAD exomes 0.00022; ESP Exome Variant Server 0.00031; ExAC 0.00034; 1000 Genomes Project 30x 0.00047; 1000 Genomes Project 0.00060.

Submission:

PreventionGenetics, part of Exact Sciences
Classification: Likely benign for GDF9-related condition. Last evaluated: 2019-06-25. Review status: no assertion criteria provided. Collection method: clinical testing. Allele origin: germline.
Comment: This variant is classified as likely benign based on ACMG/AMP sequence variant interpretation guidelines (Richards et al. 2015 PMID: 25741868, with internal and published modifications).

NM_005260.7(GDF9):c.205C>T (p.Leu69=)

Gene: GDF9 (growth differentiation factor 9; minus strand). Cytogenetic location: 5q31.1.
Variant type: single nucleotide variant.
Coding change: c.205C>T on transcript NM_005260.7 (MANE Select); coding-DNA position 205, C replaced by T.
Protein change: p.Leu69=; no amino-acid change (leucine 69 retained).
Molecular consequence: synonymous variant. On other transcripts: 5 prime UTR variant (3), intron variant (2).
Genome position (GRCh38, 1-based): chr5:132,864,329, G>A on the plus strand (C>T on the coding strand, the complement: GDF9 is on the minus strand). VCF-style: chr5-132864329-G-A. GRCh37 (hg19) VCF-style: chr5-132200021-G-A.
Other names: c.-60C>T (NM_001288825.4, NM_001288827.3, NM_001288828.3); c.-31-29C>T (NM_001288824.4); c.-44-16C>T (NM_001288826.3).
Identifiers: ClinVar variation 3042894 (VCV003042894.2), dbSNP rs370586524, ClinGen allele CA3408347.